The following is an entry in ClinVar:

NM_001378452.1(ITPR1):c.6605C>T (p.Ala2202Val)

Gene: ITPR1 (inositol 1,4,5-trisphosphate receptor type 1; plus strand). Cytogenetic location: 3p26.1.
Variant type: single nucleotide variant.
Coding change: c.6605C>T on transcript NM_001378452.1 (MANE Select); coding-DNA position 6605, C replaced by T.
Protein change: p.Ala2202Val; replaces alanine 2202 with valine.
Molecular consequence: missense variant.
Genome position (GRCh38, 1-based): chr3:4,783,910, C>T. VCF-style: chr3-4783910-C-T. GRCh37 (hg19) VCF-style: chr3-4825594-C-T.
Other names: c.6416C>T (NM_002222.5); c.6461C>T, p.Ala2154Val (NM_001099952.4); c.6560C>T, p.Ala2187Val (NM_001168272.2); c.6416C>T, p.Ala2139Val (NM_002222.7); c.6560C>T (NM_001168272.1); short protein forms A2202V, A2139V, A2187V, A2154V.
Identifiers: ClinVar variation 1964691 (VCV001964691.9), dbSNP rs774120932, ClinGen allele CA2232632.

ClinVar aggregate classification (germline): Uncertain significance. Review status: criteria provided, multiple submitters, no conflicts (2 of 4 stars). 4 submissions from 4 submitters: Uncertain significance (4). Last evaluated 2025-04-25.

Conditions:
Inborn genetic diseases. Identifiers: MedGen C0950123, MeSH D030342.

Allele frequency attached by ClinVar (database versions not stated): gnomAD 0.00001; gnomAD exomes 0.00001; TOPMed 0.00001; ExAC 0.00002.
gnomAD v4.1: 14 of 1,603,356 alleles (0.00087%); highest among the groups gnomAD compares: East Asian, 0.0022%; no homozygotes.

Submissions (4):

Athena Diagnostics
Classification: Uncertain significance. Last evaluated: 2025-04-25. Review status: criteria provided, single submitter. Criteria: Athena Diagnostics Criteria. Collection method: clinical testing. Allele origin: unknown.
Comment: Available data are insufficient to determine the clinical significance of the variant at this time. The frequency of this variant in the general population is uninformative in assessment of its pathogenicity. Polyphen and MutationTaster predict this amino acid change may be benign.

GeneDx
Classification: Uncertain significance. Last evaluated: 2024-05-18. Review status: criteria provided, single submitter. Criteria: GeneDx Variant Classification Process June 2021. Collection method: clinical testing. Allele origin: germline. Affected: yes.
Comment: In silico analysis supports that this missense variant has a deleterious effect on protein structure/function; Has not been previously published as pathogenic or benign to our knowledge

Ambry Genetics
Classification: Uncertain significance for Inborn genetic diseases. Last evaluated: 2023-08-04. Review status: criteria provided, single submitter. Criteria: Ambry Variant Classification Scheme 2023. Collection method: clinical testing. Allele origin: germline.

Labcorp Genetics (formerly Invitae), Labcorp
Classification: Uncertain significance. Last evaluated: 2022-03-04. Review status: criteria provided, single submitter. Criteria: Invitae Variant Classification Sherloc (09022015). Collection method: clinical testing. Allele origin: germline.
Comment: The frequency data for this variant in the population databases is considered unreliable, as metrics indicate poor data quality at this position in the gnomAD database. This sequence change replaces alanine, which is neutral and non-polar, with valine, which is neutral and non-polar, at codon 2139 of the ITPR1 protein (p.Ala2139Val). This variant has not been reported in the literature in individuals affected with ITPR1-related conditions. Algorithms developed to predict the effect of missense changes on protein structure and function are either unavailable or do not agree on the potential impact of this missense change (SIFT: "Deleterious"; PolyPhen-2: "Probably Damaging"; Align-GVGD: "Class C0"). In summary, the available evidence is currently insufficient to determine the role of this variant in disease. Therefore, it has been classified as a Variant of Uncertain Significance.